The following is an entry in ClinVar:

ClinVar aggregate classification (germline): Uncertain significance (1 of 4 stars; one submission).

gnomAD v4.1: 8 of 1,197,513 alleles (0.00067%); highest among the groups gnomAD compares: Non-Finnish European, 0.0009%; no homozygotes.

Submission:

GeneDx
Classification: Uncertain significance. Last evaluated: 2023-12-11. Review status: criteria provided, single submitter. Criteria: GeneDx Variant Classification Process June 2021. Collection method: clinical testing. Allele origin: germline. Affected: yes.
Comment: Not observed at significant frequency in large population cohorts (gnomAD); Has not been previously published as pathogenic or benign to our knowledge; In silico analysis suggests this variant may impact gene splicing. In the absence of RNA/functional studies, the actual effect of this sequence change is unknown.

NM_153252.5(BRWD3):c.5073C>T (p.Gly1691=)

Gene: BRWD3 (bromodomain and WD repeat domain containing 3; minus strand). Cytogenetic location: Xq21.1.
Variant type: single nucleotide variant.
Coding change: c.5073C>T on transcript NM_153252.5 (MANE Select); coding-DNA position 5073, C replaced by T.
Protein change: p.Gly1691=; no amino-acid change (glycine 1691 retained).
Molecular consequence: synonymous variant.
Genome position (GRCh38, 1-based): chrX:80,676,945, G>A on the plus strand (C>T on the coding strand, the complement: BRWD3 is on the minus strand). VCF-style: chrX-80676945-G-A. GRCh37 (hg19) VCF-style: chrX-79932444-G-A.
Identifiers: ClinVar variation 3364514 (VCV003364514.1).